The following continues an entry in ClinVar:

NM_007194.4(CHEK2):c.1216C>T (p.Arg406Cys)

Gene: CHEK2. ClinVar aggregate classification (germline): Conflicting classifications of pathogenicity. Uncertain significance (16); Likely benign (1).

Submissions 7 to 21 of 21:

St. Jude Molecular Pathology, St. Jude Children's Research Hospital
Classification: Uncertain significance for Predisposition to cancer. Last evaluated: 2025-06-17. Review status: criteria provided, single submitter. Criteria: St. Jude Assertion Criteria 2020. Collection method: clinical testing. Allele origin: germline.
Comment: The CHEK2 c.1216C>T p.(Arg406Cys) missense change has a maximum subpopulation frequency of 0.01% in gnomAD v2.1.1. The in silico tool REVEL predicts a benign effect on protein function. This variant was found to be functional in a yeast-based assay (PMID: 30851065). To our knowledge, this variant has not been reported as pathogenic in individuals with CHEK2-related tumors. In summary, the evidence currently available is insufficient to determine the clinical significance of this variant. It has therefore been classified as of uncertain significance.

Ambry Genetics
Classification: Uncertain significance for Hereditary cancer-predisposing syndrome. Last evaluated: 2025-02-14. Review status: criteria provided, single submitter. Criteria: Ambry Variant Classification Scheme 2023. Collection method: clinical testing. Allele origin: germline.
Comment: The p.R406C variant (also known as c.1216C>T), located in coding exon 10 of the CHEK2 gene, results from a C to T substitution at nucleotide position 1216. The arginine at codon 406 is replaced by cysteine, an amino acid with highly dissimilar properties. This variant has been identified in numerous disease cohorts (Osorio A et al. Int. J. Cancer. 2004 Jan;108:54-6; Le Calvez-Kelm F et al. Breast Cancer Res. 2011 Jan;13:R6; Rashid MU et al. BMC Cancer. 2013 Jun;13:312; Ballinger ML et al. Lancet Oncol. 2016 Sep;17:1261-71; Young EL et al. J Med Genet, 2016 06;53:366-76; Decker B et al. J Med Genet, 2017 11;54:732-741; Isaacsson Velho P et al. Prostate. 2018 Apr;78:401-407; Koczkowska M et al. Cancers (Basel), 2018 Nov;10:; Girard E et al. Int J Cancer, 2019 04;144:1962-1974; Lerner-Ellis J et al. J Cancer Res Clin Oncol, 2021 Mar;147:871-879; Abdel-Razeq H et al. Front Oncol, 2022 Mar;12:673094). This alteration behaved as functional in an in vivo, yeast-based growth rate assay (Delimitsou A et al. Hum Mutat, 2019 05;40:631-648). This amino acid position is well conserved in available vertebrate species. In addition, the in silico prediction for this alteration is inconclusive. Based on the available evidence, the clinical significance of this variant remains unclear.

Quest Diagnostics Nichols Institute San Juan Capistrano
Classification: Uncertain significance. Last evaluated: 2025-01-14. Review status: criteria provided, single submitter. Criteria: Quest Diagnostics criteria. Collection method: clinical testing. Allele origin: unknown.
Comment: The CHEK2 c.1216C>T (p.Arg406Cys) variant has been reported in individuals and families with breast/ovarian cancer (PMIDs: 35534704 (2022), 35402282 (2022), 35264596 (2022), 32885271 (2021), 30303537 (2019), 30441849 (2018), 23806170 (2013), 21244692 (2011)), hepatoblastoma (PMID: 35495172 (2022)), and prostate cancer (PMID: 29368341 (2018)). In a large scale breast cancer association study, this variant has been observed in breast cancer cases and reportedly unaffected individuals (PMID: 33471991 (2021), see also LOVD). In addition, an experimental study reports this variant has a neutral effect on CHEK2 protein function in yeast (PMID: 30851065 (2019)). The frequency of this variant in the general population (Genome Aggregation Database) is uninformative in the assessment of its pathogenicity. Analysis of this variant using bioinformatics tools for the prediction of the effect of amino acid changes on protein structure and function yielded conflicting predictions that this variant is benign or damaging. Based on the available information, we are unable to determine the clinical significance of this variant.

KCCC/NGS Laboratory, Kuwait Cancer Control Center
Classification: Uncertain significance for CHEK2-related cancer predisposition. Last evaluated: 2024-11-03. Review status: criteria provided, single submitter. Criteria: ACMG Guidelines, 2015. Collection method: clinical testing. Allele origin: germline. Inheritance: Autosomal dominant inheritance. Affected: yes. Observed: 1 heterozygote.
Comment: This sequence change replaces arginine, which is basic and polar, with cysteine, which is neutral and slightly polar, at codon 406 of the CHEK2 protein (p.Arg406Cys).This amino acid position is moderate conserved (PhyloP=3.6) . This variant is present in population databases (rs587782527, gnomAD 0.01%). This missense change has been observed in individual(s) with breast cancer, hepatoblastoma, and/or ovarian cancer (PMID: 26787654, 23741719, 28514183, 28553140, 25629968, 23806170, 14618615, 27498913, 21244692, 29173497, 28102005, 29368341, 29596542, 30303537, 32322110, 19782031, 22419737, 35495172, 30851065, 35264596). ClinVar contains an entry for this variant (Variation ID: 142533). In addition, the in silico prediction for this alteration is inconclusive. Experimental studies have shown that this missense change does not substantially affect CHEK2 function (PMID: 30851065). In summary, the available evidence is currently insufficient to determine the role of this variant in disease. Therefore, it has been classified as a Variant of Uncertain Significance. Pathogenic/likely pathogenic variants in the CHEK2 gene cause susceptibility to breast cancer (OMIM 114480).

Blueprint Genetics
Classification: Uncertain significance. Last evaluated: 2024-05-27. Review status: criteria provided, single submitter. Criteria: ACMG Guidelines, 2015. Collection method: clinical testing. Allele origin: germline.

Myriad Genetics, Inc.
Classification: Likely benign for Familial cancer of breast. Last evaluated: 2023-03-08. Review status: criteria provided, single submitter. Criteria: Myriad Autosomal Dominant, Autosomal Recessive and X-Linked Classification Criteria (2023). Collection method: clinical testing. Allele origin: unknown.
Comment: This variant is considered likely benign. This variant is strongly associated with less severe personal and family histories of cancer, typical for individuals without pathogenic variants in this gene [PMID: 25085752].

Clinical Genetics Laboratory, Skane University Hospital Lund
Classification: Uncertain significance. Last evaluated: 2022-09-23. Review status: criteria provided, single submitter. Criteria: ACMG Guidelines, 2015. Collection method: clinical testing. Allele origin: germline. Affected: yes.

CHEO Genetics Diagnostic Laboratory, Children's Hospital of Eastern Ontario
Classification: Uncertain significance for Breast and/or ovarian cancer. Last evaluated: 2022-07-05. Review status: criteria provided, single submitter. Criteria: ACMG Guidelines, 2015. Collection method: clinical testing. Allele origin: germline.

ARUP Laboratories, Molecular Genetics and Genomics, ARUP Laboratories
Classification: Uncertain significance. Last evaluated: 2020-01-01. Review status: criteria provided, single submitter. Criteria: ARUP Molecular Germline Variant Investigation Process. Collection method: clinical testing. Allele origin: germline.
Comment: The CHEK2 c.1216C>T; p.Arg406Cys variant (rs587782527) is reported in the literature in individuals with breast, ovarian, or prostate cancer (Isaacsson 2018, Le Calvez-Kelm 2011, Osorio 2004, Rashid 2013), and is reported in ClinVar (Variation ID: 142533). This variant is found in the general population with an overall allele frequency of 0.006% (17/282232 alleles) in the Genome Aggregation Database. The arginine at codon 406 is moderately conserved, but computational analyses (SIFT, PolyPhen-2) predict that this variant is tolerated. Additionally, an in vivo yeast-based functional assay suggests that this variant is benign (Delimitsou 2019). However, due to limited information, the clinical significance of this variant is uncertain at this time. REFERENCES Delimitsou A et al. Functional characterization of CHEK2 variants in a Saccharomyces cerevisiae system. Hum Mutat. 2019 May;40(5):631-648. Isaacsson Velho P et al. Intraductal/ductal histology and lymphovascular invasion are associated with germline DNA-repair gene mutations in prostate cancer. Prostate. 2018 Apr;78(5):401-407. Le Calvez-Kelm F et al. Rare, evolutionarily unlikely missense substitutions in CHEK2 contribute to breast cancer susceptibility: results from a breast cancer family registry case-control mutation-screening study. Breast Cancer Res. 2011 Jan 18;13(1):R6. Osorio A et al. The breast cancer low-penetrance allele 1100delC in the CHEK2 gene is not present in Spanish familial breast cancer population. Int J Cancer. 2004 Jan 1;108(1):54-6. Rashid MU et al. Constitutional CHEK2 mutations are infrequent in early-onset and familial breast/ovarian cancer patients from Pakistan. BMC Cancer. 2013 Jun 27;13:312.

Mendelics
Classification: Uncertain significance for Familial cancer of breast. Last evaluated: 2018-07-02. Review status: criteria provided, single submitter. Criteria: Mendelics Assertion Criteria 2017. Collection method: clinical testing. Allele origin: unknown.

Fulgent Genetics
Classification: Uncertain significance for Familial cancer of breast; Familial prostate cancer; Bone osteosarcoma; CHEK2-related cancer predisposition. Last evaluated: 2017-05-23. Review status: criteria provided, single submitter. Criteria: ACMG Guidelines, 2015. Collection method: clinical testing. Allele origin: unknown.

Counsyl
Classification: Uncertain significance for Familial cancer of breast. Last evaluated: 2016-06-21. Review status: no assertion criteria provided. Collection method: clinical testing. Allele origin: unknown. Not counted in ClinVar's aggregate classification.

Department of Pathology and Laboratory Medicine, Sinai Health System
Classification: Uncertain significance for Malignant tumor of breast. Review status: no assertion criteria provided. Collection method: clinical testing. Allele origin: unknown. Affected: yes. Observed: 1 variant allele. Study: The Canadian Open Genetics Repository (COGR). Not counted in ClinVar's aggregate classification.
Comment: The CHEK2 p.Arg406Cys variant was identified in 1 of 290 proband chromosomes (frequency: 0.003) from Pakistani individuals or families with BRCA1/2 negative early-onset and familial breast/ovarian cancers and was not identified in 300 control chromosomes from healthy individuals, or 229 individuals with BRCA1/2 negative breast/ovarian cancers (Rashid 2013). In a yeast complementation assay assessing protein function of the Arg406His variant, the variant did not abrogate CHEK2 function, with yeast cells carrying the Arg406His variant growing at a similar rate to those carrying wildtype (Yilmaz 2014). The variant was also identified in in dbSNP (ID: rs587782527) â€šÃ„ÃºWith Uncertain significance alleleâ€šÃ„Ã¹, ClinVar (classified as uncertain significance by Ambry genetics, GeneDx, Invitae, and Counsyl), Clinvitae; and in control databases in 17 of 276708 chromosomes at a frequency of 0.00006 increasing the likelihood that this may be a low frequency benign variant in certain populations of origin (Genome Aggregation Consortium Feb 27, 2017). The variant was not identified in Cosmic, MutDB, or Zhejiang Colon Cancer Database. The p.Arg406 residue is conserved across mammals and other organisms, and four out of five computational analyses (PolyPhen-2, SIFT, AlignGVGD, BLOSUM, MutationTaster) suggest that the Cys variant may impact the protein; however, this information is not predictive enough to assume pathogenicity. The variant occurs outside of the splicing consensus sequence and in silico or computational prediction software programs (SpliceSiteFinder, MaxEntScan, NNSPLICE, GeneSplicer, HumanSpliceFinder) do not predict a difference in splicing. In summary, based on the above information the clinical significance of this variant cannot be determined with certainty at this time. This variant is classified as a variant of uncertain significance.

Diagnostic Laboratory, Department of Genetics, University Medical Center Groningen
Classification: Uncertain significance. Review status: no assertion criteria provided. Collection method: clinical testing. Allele origin: germline. Affected: yes. Study: VKGL Data-share Consensus. Not counted in ClinVar's aggregate classification.

Laboratory of Diagnostic Genome Analysis, Leiden University Medical Center (LUMC)
Classification: Uncertain significance. Review status: no assertion criteria provided. Collection method: clinical testing. Allele origin: germline. Affected: yes. Study: VKGL Data-share Consensus. Not counted in ClinVar's aggregate classification.

Literature cited by the submitters: PubMed 21244692 (cited by 6 submitters); PubMed 23806170 (cited by 6 submitters); PubMed 14618615 (cited by 6 submitters); PubMed 29368341 (cited by 4 submitters); PubMed 30851065 (cited by 5 submitters); PubMed 30441849 (cited by 4 submitters); PubMed 30303537 (cited by 4 submitters); PubMed 33471991 (cited by 4 submitters); PubMed 35264596 (cited by Women's Health and Genetics/Laboratory Corporation of America, LabCorp and Quest Diagnostics Nichols Institute San Juan Capistrano); PubMed 37449874 (cited by 3 submitters); PubMed 38061684 (cited by Women's Health and Genetics/Laboratory Corporation of America, LabCorp and Labcorp Genetics (formerly Invitae), Labcorp); PubMed 32885271 (cited by 4 submitters); PubMed 35402282 (cited by 4 submitters); PubMed 35495172 (cited by Labcorp Genetics (formerly Invitae), Labcorp and Quest Diagnostics Nichols Institute San Juan Capistrano); PubMed 35534704 (cited by Labcorp Genetics (formerly Invitae), Labcorp and Quest Diagnostics Nichols Institute San Juan Capistrano); PubMed 25629968 (cited by Ambry Genetics); PubMed 26787654 (cited by Ambry Genetics); PubMed 27498913 (cited by Ambry Genetics); PubMed 28779002 (cited by Ambry Genetics); PubMed 25085752 (cited by Myriad Genetics, Inc.).